The following is an entry in ClinVar:

ClinVar aggregate classification (germline): Benign/Likely benign. Review status: criteria provided, multiple submitters, no conflicts (2 of 4 stars). 7 submissions from 7 submitters: Benign (1); Likely benign (3). 3 of the submissions do not count toward it. Last evaluated 2026-01-26.

Conditions:
Vici syndrome (VICIS). Identifiers: Orphanet 1493, MedGen C1855772, MONDO:0009452, OMIM 242840.
EPG5-related disorder. Also called: EPG5-related condition. Identifiers: MedGen CN381528.

Allele frequency attached by ClinVar (database versions not stated): TOPMed 0.00046; 1000 Genomes Project 30x 0.00062; ESP Exome Variant Server 0.00073; 1000 Genomes Project 0.00080; gnomAD exomes 0.00082 and 0.00114; ExAC 0.00102; gnomAD 0.00113.

Submissions (7):

Labcorp Genetics (formerly Invitae), Labcorp
Classification: Likely benign for Vici syndrome. Last evaluated: 2026-01-26. Review status: criteria provided, single submitter. Criteria: Invitae Variant Classification Sherloc (09022015). Collection method: clinical testing. Allele origin: germline.

Blueprint Genetics
Classification: Likely benign. Last evaluated: 2024-11-21. Review status: criteria provided, single submitter. Criteria: ACMG Guidelines, 2015. Collection method: clinical testing. Allele origin: germline.

Institute for Genomic Medicine (IGM) Clinical Laboratory, Nationwide Children's Hospital
Classification: Benign. Last evaluated: 2017-06-02. Review status: criteria provided, single submitter. Criteria: ACMG Guidelines, 2015. Collection method: clinical testing. Allele origin: germline.
Comment: BS1, BS2, BP1; This alteration has an allele frequency that is greater than expected for the associated disease, was seen in a healthy adult where full penetrance of the disorder is expected at an early age, and is a missense alteration in a gene for which primarily truncating variants are known to cause disease.

Breakthrough Genomics
Classification: Likely benign. Review status: criteria provided, single submitter. Criteria: ACMG Guidelines, 2015. Collection method: not provided. Allele origin: germline. Inheritance: Autosomal recessive inheritance. Affected: yes.

PreventionGenetics, part of Exact Sciences
Classification: Likely benign for EPG5-related condition. Last evaluated: 2022-01-31. Review status: no assertion criteria provided. Collection method: clinical testing. Allele origin: germline. Not counted in ClinVar's aggregate classification.
Comment: This variant is classified as likely benign based on ACMG/AMP sequence variant interpretation guidelines (Richards et al. 2015 PMID: 25741868, with internal and published modifications).

Clinical Genetics DNA and cytogenetics Diagnostics Lab, Erasmus MC, Erasmus Medical Center
Classification: Likely benign. Review status: no assertion criteria provided. Collection method: clinical testing. Allele origin: germline. Affected: yes. Study: VKGL Data-share Consensus. Not counted in ClinVar's aggregate classification.

Genome Diagnostics Laboratory, University Medical Center Utrecht
Classification: Likely benign. Review status: no assertion criteria provided. Collection method: clinical testing. Allele origin: germline. Affected: yes. Study: VKGL Data-share Consensus. Not counted in ClinVar's aggregate classification.

NM_020964.3(EPG5):c.800C>T (p.Ser267Leu)

Gene: EPG5 (ectopic P-granules 5 autophagy tethering factor; minus strand). Cytogenetic location: 18q21.1.
Variant type: single nucleotide variant.
Coding change: c.800C>T on transcript NM_020964.3 (MANE Select); coding-DNA position 800, C replaced by T.
Protein change: p.Ser267Leu; replaces serine 267 with leucine.
Molecular consequence: missense variant.
Genome position (GRCh38, 1-based): chr18:45,954,602, G>A on the plus strand (C>T on the coding strand, the complement: EPG5 is on the minus strand). VCF-style: chr18-45954602-G-A. GRCh37 (hg19) VCF-style: chr18-43534568-G-A.
Other names: c.800C>T, p.Ser267Leu (LRG_1234t1); short protein forms S267L.
Identifiers: ClinVar variation 599429 (VCV000599429.24), dbSNP rs180913079, ClinGen allele CA8949889.